The following is an entry in ClinVar:

ClinVar aggregate classification (germline): Uncertain significance. Review status: criteria provided, multiple submitters, no conflicts (2 of 4 stars). 2 submissions from 2 submitters: Uncertain significance (2). Last evaluated 2024-04-25.

Submissions (2):

Labcorp Genetics (formerly Invitae), Labcorp
Classification: Uncertain significance. Last evaluated: 2024-04-25. Review status: criteria provided, single submitter. Criteria: Invitae Variant Classification Sherloc (09022015). Collection method: clinical testing. Allele origin: germline.
Comment: This variant, c.879_881del, results in the deletion of 1 amino acid(s) of the SAMD9L protein (p.Leu294del), but otherwise preserves the integrity of the reading frame. This variant is not present in population databases (gnomAD no frequency). This variant has not been reported in the literature in individuals affected with SAMD9L-related conditions. ClinVar contains an entry for this variant (Variation ID: 1899873). Experimental studies and prediction algorithms are not available or were not evaluated, and the functional significance of this variant is currently unknown. In summary, the available evidence is currently insufficient to determine the role of this variant in disease. Therefore, it has been classified as a Variant of Uncertain Significance.

Blueprint Genetics
Classification: Uncertain significance. Last evaluated: 2021-11-18. Review status: criteria provided, single submitter. Criteria: ACMG Guidelines, 2015. Collection method: clinical testing. Allele origin: germline.

NM_152703.5(SAMD9L):c.879_881del (p.Leu294del)

Gene: SAMD9L (sterile alpha motif domain containing 9 like; minus strand). Cytogenetic location: 7q21.2.
Variant type: Deletion.
Coding change: c.879_881del on transcript NM_152703.5 (MANE Select); coding-DNA positions 879 to 881, 3 bases deleted (TCT; older notation c.879_881delTCT).
Protein change: p.Leu294del; deletes leucine 294.
Molecular consequence: inframe deletion.
Genome position (GRCh38, 1-based): chr7:93,135,091-93,135,093, AGA deleted on the plus strand (TCT on the coding strand, the reverse complement: SAMD9L is on the minus strand); deleting any 3 consecutive bases within chr7:93,135,091-93,135,095 gives the same sequence; the c. name uses the placement nearest the transcript's 3' end. VCF-style (leftmost placement, unchanged base first): chr7-93135090-CAGA-C. GRCh37 (hg19) VCF-style: chr7-92764403-CAGA-C.
Other names: c.879_881del, p.Leu294del (NM_001303496.3, NM_001303497.3, NM_001303498.3 and 5 more transcripts); short protein forms L294del.
Identifiers: ClinVar variation 1899873 (VCV001899873.6), dbSNP rs2535433380, ClinGen allele CA2578939323.